The following is an entry in ClinVar:

ClinVar aggregate classification (germline): Benign. Review status: criteria provided, multiple submitters, no conflicts (2 of 4 stars). 2 submissions from 2 submitters: Benign (2). Last evaluated 2026-06-10.

Conditions:
Fibrous dysplasia of jaw (CRBM). Also called: Cherubism. Identifiers: Orphanet 184, MedGen C0008029, MONDO:0007315, OMIM 118400.

Allele frequency attached by ClinVar (database versions not stated): ExAC 0.00031; gnomAD 0.00010 and 0.00011; TOPMed 0.00009; gnomAD exomes 0.00012.
gnomAD v4.1: 162 of 1,595,534 alleles (0.01%); highest among the groups gnomAD compares: East Asian, 0.25%; 1 homozygote.

Submissions (3):

Women's Health and Genetics/Laboratory Corporation of America, LabCorp
Classification: Benign. Last evaluated: 2026-06-10. Review status: criteria provided, single submitter. Criteria: LabCorp Variant Classification Summary - May 2015. Collection method: clinical testing. Allele origin: germline.
Comment: Variant summary: SH3BP2 c.1320C>T results in a synonymous change. Consensus agreement among computation tools predict no significant impact on normal splicing. However, these predictions have yet to be confirmed by functional studies. The variant allele was found at a frequency of 0.00012 in 221714 control chromosomes. The observed variant frequency exceeds the estimated maximal expected allele frequency for disease-causing variants in SH3BP2. To our knowledge, no occurrence of c.1320C>T in individuals affected with SH3BP2-related conditions and no experimental evidence demonstrating its impact on protein function have been reported. ClinVar contains an entry for this variant (Variation ID: 525204). Based on the evidence outlined above, the variant was classified as benign.

Labcorp Genetics (formerly Invitae), Labcorp
Classification: Benign for Fibrous dysplasia of jaw. Last evaluated: 2025-12-16. Review status: criteria provided, single submitter. Criteria: Invitae Variant Classification Sherloc (09022015). Collection method: clinical testing. Allele origin: germline.

Dr. Peter K. Rogan Lab, Western University
No classification provided (evidence only). Condition: Malignant tumor of urinary bladder. Review status: no classification provided. Collection method: in vitro. Allele origin: not applicable. Functional consequence: retained intron. Not counted in ClinVar's aggregate classification.

NM_001122681.2(SH3BP2):c.1320C>T (p.Gly440=)

Gene: SH3BP2 (SH3 domain binding protein 2; plus strand). Cytogenetic location: 4p16.3.
Variant type: single nucleotide variant.
Coding change: c.1320C>T on transcript NM_001122681.2 (MANE Select); coding-DNA position 1320, C replaced by T.
Protein change: p.Gly440=; no amino-acid change (glycine 440 retained).
Molecular consequence: synonymous variant.
Genome position (GRCh38, 1-based): chr4:2,831,649, C>T. VCF-style: chr4-2831649-C-T. GRCh37 (hg19) VCF-style: chr4-2833376-C-T.
Other names: c.1404C>T, p.Gly468= (LRG_1334t2, NM_001145855.2); c.1320C>T, p.Gly440= (LRG_1334t1, NM_003023.4); c.1491C>T, p.Gly497= (NM_001145856.2).
Identifiers: ClinVar variation 525204 (VCV000525204.12), dbSNP rs769046491, ClinGen allele CA2819462.